The following is an entry in ClinVar:

ClinVar aggregate classification (germline): Uncertain significance (1 of 4 stars; one submission).

Conditions:
LAMA2-related muscular dystrophy (LAMA2-RD). Also called: Laminin alpha 2-related dystrophy. Identifiers: MedGen C5679788, MONDO:0100228.

Allele frequency attached by ClinVar (database versions not stated): gnomAD exomes below 0.00001; ExAC 0.00001; gnomAD 0.00001; TOPMed 0.00001; ESP Exome Variant Server 0.00008.
gnomAD v4.1: 4 of 1,589,620 alleles (0.00025%); highest among the groups gnomAD compares: Non-Finnish European, 0.00035%; no homozygotes.

Submission:

Labcorp Genetics (formerly Invitae), Labcorp
Classification: Uncertain significance for LAMA2-related muscular dystrophy. Last evaluated: 2021-08-26. Review status: criteria provided, single submitter. Criteria: Invitae Variant Classification Sherloc (09022015). Collection method: clinical testing. Allele origin: germline.
Comment: This sequence change replaces leucine with proline at codon 774 of the LAMA2 protein (p.Leu774Pro). The leucine residue is moderately conserved and there is a moderate physicochemical difference between leucine and proline. This variant is present in population databases (rs373595461, ExAC 0.001%). This variant has not been reported in the literature in individuals affected with LAMA2-related conditions. Algorithms developed to predict the effect of missense changes on protein structure and function are either unavailable or do not agree on the potential impact of this missense change (SIFT: "Tolerated"; PolyPhen-2: "Probably Damaging"; Align-GVGD: "Class C0"). In summary, the available evidence is currently insufficient to determine the role of this variant in disease. Therefore, it has been classified as a Variant of Uncertain Significance.

NM_000426.4(LAMA2):c.2321T>C (p.Leu774Pro)

Gene: LAMA2 (laminin subunit alpha 2; plus strand). Cytogenetic location: 6q22.33.
Variant type: single nucleotide variant.
Coding change: c.2321T>C on transcript NM_000426.4 (MANE Select); coding-DNA position 2321, T replaced by C.
Protein change: p.Leu774Pro; replaces leucine 774 with proline.
Molecular consequence: missense variant.
Genome position (GRCh38, 1-based): chr6:129,267,218, T>C. VCF-style: chr6-129267218-T-C. GRCh37 (hg19) VCF-style: chr6-129588363-T-C.
Other names: c.2321T>C, p.Leu774Pro (NM_001079823.2); short protein forms L774P.
Identifiers: ClinVar variation 940616 (VCV000940616.4), dbSNP rs373595461, ClinGen allele CA3992886.